The following is an entry in ClinVar:

NC_000019.9:g.(?_54299093)_(54299303_?)dup

Gene: NLRP12 (NLR family pyrin domain containing 12; minus strand). Cytogenetic location: 19q13.42.
Variant type: Duplication.
Identifiers: ClinVar variation 1412747 (VCV001412747.4).

ClinVar aggregate classification (germline): Uncertain significance (1 of 4 stars; one submission).

Conditions:
Familial cold autoinflammatory syndrome 2 (FCAS2). Identifiers: Orphanet 247868, MedGen C2673198, MONDO:0012724, OMIM 611762.

Submission:

Labcorp Genetics (formerly Invitae), Labcorp
Classification: Uncertain significance for Familial cold autoinflammatory syndrome 2. Last evaluated: 2024-01-29. Review status: criteria provided, single submitter. Criteria: Invitae Variant Classification Sherloc (09022015). Collection method: clinical testing. Allele origin: germline.
Comment: This variant results in a copy number gain of the genomic region encompassing exon(s) 9 of the NLRP12 gene. While the exact position of this variant cannot be determined from the data, sub-genic copy number gains are generally in tandem (PMID: 25640679). This variant is predicted to be in-frame, and likely preserves the integrity of the reading frame. This variant has not been reported in the literature in individuals affected with NLRP12-related conditions. In summary, the available evidence is currently insufficient to determine the role of this variant in disease. Therefore, it has been classified as a Variant of Uncertain Significance.

Literature cited by the submitters: PubMed 25640679.